The following is an entry in ClinVar:

ClinVar aggregate classification (germline): Uncertain significance (1 of 4 stars; one submission).

Conditions:
PKHD1L1-related disorder. Also called: PKHD1L1-related condition.

gnomAD v4.1: 1,071 of 1,612,886 alleles (0.066%); highest among the groups gnomAD compares: Middle Eastern, 2.4%; 10 homozygotes.

Submission:

PreventionGenetics, part of Exact Sciences
Classification: Uncertain significance for PKHD1L1-related condition. Last evaluated: 2026-02-03. Review status: criteria provided, single submitter. Criteria: ACMG Guidelines, 2015. Collection method: clinical testing. Allele origin: germline.
Comment: The PKHD1L1 c.11408A>G variant is predicted to result in the amino acid substitution p.His3803Arg. To our knowledge, this variant has not been reported in the literature. This variant is reported in 0.14% of alleles in individuals of South Asian descent in gnomAD. Although we suspect that this variant may be benign, at this time, the clinical significance of this variant is uncertain due to the absence of conclusive functional and genetic evidence.

NM_177531.6(PKHD1L1):c.11408A>G (p.His3803Arg)

Gene: PKHD1L1 (PKHD1 like 1; plus strand). Cytogenetic location: 8q23.2.
Variant type: single nucleotide variant.
Coding change: c.11408A>G on transcript NM_177531.6 (MANE Select); coding-DNA position 11408, A replaced by G.
Protein change: p.His3803Arg; replaces histidine 3803 with arginine.
Molecular consequence: missense variant.
Genome position (GRCh38, 1-based): chr8:109,510,789, A>G. VCF-style: chr8-109510789-A-G. GRCh37 (hg19) VCF-style: chr8-110523018-A-G.
Other names: short protein forms H3803R.
Identifiers: ClinVar variation 4981654 (VCV004981654.1).